The following is an entry in ClinVar:

NM_000553.6(WRN):c.2996G>A (p.Arg999His)

Gene: WRN (WRN RecQ like helicase; plus strand). Cytogenetic location: 8p12.
Variant type: single nucleotide variant.
Coding change: c.2996G>A on transcript NM_000553.6 (MANE Select); coding-DNA position 2996, G replaced by A.
Protein change: p.Arg999His; replaces arginine 999 with histidine.
Molecular consequence: missense variant.
Genome position (GRCh38, 1-based): chr8:31,141,458, G>A. VCF-style: chr8-31141458-G-A. GRCh37 (hg19) VCF-style: chr8-30998974-G-A.
Other names: short protein forms R999H.
Identifiers: ClinVar variation 403994 (VCV000403994.11), dbSNP rs769665299, ClinGen allele CA4704917.
Genomic context (GRCh38, chr8:31,141,458, plus strand): 5'-TTTTTAGATACTGATTTTATTCCTAATTTCAGAATTCTCAGCGTCTTGCCGATCAATATC[G>A]CAGGCACAGTTTATTTGGCACTGGCAAGGATCAAACAGAGAGTTGGTGGAAGGCTTTTTC-3'
Protein context (NP_000544.2, residues 989-1009): SNSQRLADQY[Arg999His]RHSLFGTGKD

ClinVar aggregate classification (germline): Uncertain significance. Review status: criteria provided, multiple submitters, no conflicts (2 of 4 stars). 3 submissions from 3 submitters: Uncertain significance (3). Last evaluated 2025-04-14.

Conditions:
Werner syndrome (WRN). Identifiers: Orphanet 902, MedGen C0043119, MONDO:0010196, OMIM 277700.

Allele frequency attached by ClinVar (database versions not stated): ExAC 0.00002; TOPMed 0.00007; gnomAD 0.00013; gnomAD exomes 0.00003.
gnomAD v4.1: 60 of 1,613,788 alleles (0.0037%); highest among the groups gnomAD compares: African/African-American, 0.0094%; no homozygotes.

Submissions (3):

Labcorp Genetics (formerly Invitae), Labcorp
Classification: Uncertain significance for Werner syndrome. Last evaluated: 2025-04-14. Review status: criteria provided, single submitter. Criteria: Invitae Variant Classification Sherloc (09022015). Collection method: clinical testing. Allele origin: germline.
Comment: This sequence change replaces arginine, which is basic and polar, with histidine, which is basic and polar, at codon 999 of the WRN protein (p.Arg999His). This variant is present in population databases (rs769665299, gnomAD 0.02%). This variant has not been reported in the literature in individuals affected with WRN-related conditions. ClinVar contains an entry for this variant (Variation ID: 403994). An algorithm developed to predict the effect of missense changes on protein structure and function outputs the following: PolyPhen-2: "Possibly Damaging". The histidine amino acid residue is found in multiple mammalian species, which suggests that this missense change does not adversely affect protein function. In summary, the available evidence is currently insufficient to determine the role of this variant in disease. Therefore, it has been classified as a Variant of Uncertain Significance.

Dasa
Classification: Uncertain significance. Last evaluated: 2024-12-09. Review status: criteria provided, single submitter. Criteria: DASA Assertion Criteria. Collection method: clinical testing. Allele origin: germline.
Comment: NM_000553.6(WRN):c.2996G>A (p.Arg999His) is a missense variant that results in the substitution of arginine with histidine. This variant is rare in population databases. Computational prediction algorithms are consistent with a benign effect. The currently available literature and clinical evidence are not sufficient to establish a definitive association between this variant and the reported condition. Therefore, this variant is classified as a variant of uncertain significance.

Baylor Genetics
Classification: Uncertain significance for Werner syndrome. Last evaluated: 2021-07-13. Review status: criteria provided, single submitter. Criteria: ACMG Guidelines, 2015. Collection method: clinical testing. Allele origin: unknown. Affected: yes. Study: CSER-TexasKidsCanSeq.
Comment: This variant was determined to be of uncertain significance according to ACMG Guidelines, 2015 [PMID:25741868].